The following is an entry in ClinVar:

ClinVar aggregate classification (germline): Likely benign. Review status: criteria provided, multiple submitters, no conflicts (2 of 4 stars). 2 submissions from 2 submitters: Likely benign (2). Last evaluated 2018-06-19.

Allele frequency attached by ClinVar (database versions not stated): 1000 Genomes Project 0.00559; gnomAD 0.00600; TOPMed 0.00632.
gnomAD v4.1: 819 of 152,182 alleles (0.54%); highest among the groups gnomAD compares: African/African-American, 1.8%; 5 homozygotes.

Submissions (2):

GeneDx
Classification: Likely benign. Last evaluated: 2018-06-19. Review status: criteria provided, single submitter. Criteria: GeneDx Variant Classification (06012015). Collection method: clinical testing. Allele origin: germline. Affected: yes.
Comment: This variant is considered likely benign or benign based on one or more of the following criteria: it is a conservative change, it occurs at a poorly conserved position in the protein, it is predicted to be benign by multiple in silico algorithms, and/or has population frequency not consistent with disease.

Breakthrough Genomics
Classification: Likely benign. Review status: criteria provided, single submitter. Criteria: ACMG Guidelines, 2015. Collection method: not provided. Allele origin: germline. Inheritance: Autosomal recessive inheritance. Affected: yes.

NM_000540.3(RYR1):c.424+159C>G

Gene: RYR1 (ryanodine receptor 1; plus strand). Cytogenetic location: 19q13.2.
Variant type: single nucleotide variant.
Coding change: c.424+159C>G on transcript NM_000540.3 (MANE Select); 159 bases into the intron after coding-DNA position 424, C replaced by G.
Molecular consequence: intron variant.
Genome position (GRCh38, 1-based): chr19:38,443,955, C>G. VCF-style: chr19-38443955-C-G. GRCh37 (hg19) VCF-style: chr19-38934595-C-G.
Other names: c.424+159C>G (NM_001042723.2).
Identifiers: ClinVar variation 679521 (VCV000679521.2), dbSNP rs139773017, ClinGen allele CA308111516.